The following is an entry in ClinVar:

ClinVar aggregate classification (germline): Uncertain significance (1 of 4 stars; one submission).

gnomAD v4.1: 1 of 1,211,951 alleles (0.000083%); highest among the groups gnomAD compares: Non-Finnish European, 0.00011%; no homozygotes.

Submission:

GeneDx
Classification: Uncertain significance. Last evaluated: 2019-04-08. Review status: criteria provided, single submitter. Criteria: GeneDx Variant Classification Process June 2021. Collection method: clinical testing. Allele origin: germline. Affected: yes.
Comment: Not observed in large population cohorts (Lek et al., 2016); The majority of missense variants in this gene are considered pathogenic; In silico analysis, which includes protein predictors and evolutionary conservation, supports that this variant does not alter protein structure/function; Has not been previously published as pathogenic or benign to our knowledge

NM_001184880.2(PCDH19):c.1507T>G (p.Phe503Val)

Gene: PCDH19 (protocadherin 19; minus strand). Cytogenetic location: Xq22.1.
Variant type: single nucleotide variant.
Coding change: c.1507T>G on transcript NM_001184880.2 (MANE Select); coding-DNA position 1507, T replaced by G.
Protein change: p.Phe503Val; replaces phenylalanine 503 with valine.
Molecular consequence: missense variant.
Genome position (GRCh38, 1-based): chrX:100,407,091, A>C on the plus strand (T>G on the coding strand, the complement: PCDH19 is on the minus strand). VCF-style: chrX-100407091-A-C. GRCh37 (hg19) VCF-style: chrX-99662089-A-C.
Other names: c.1507T>G, p.Phe503Val (NM_001105243.2, NM_020766.3); short protein forms F503V.
Identifiers: ClinVar variation 1308461 (VCV001308461.2), dbSNP rs2147538585, ClinGen allele CA414002578.